The following is an entry in ClinVar:

NC_000009.12:g.(?_271607)_(452137_?)del

Gene: DOCK8 (dedicator of cytokinesis 8; plus strand). Cytogenetic location: 9p24.3.
Variant type: Deletion.
Identifiers: ClinVar variation 831986 (VCV000831986.11).

ClinVar aggregate classification (germline): Pathogenic (1 of 4 stars; one submission).

Conditions:
Hyper-IgE recurrent infection syndrome 3, autosomal recessive. Also called: Autosomal recessive hyper-IgE syndrome due to ZNF341 deficiency; HYPER-IgE SYNDROME 3, AUTOSOMAL RECESSIVE, WITH RECURRENT INFECTIONS. Identifiers: Orphanet 641368, MedGen C4748969, MONDO:0032654, OMIM 618282.

Submission:

Labcorp Genetics (formerly Invitae), Labcorp
Classification: Pathogenic for Combined immunodeficiency due to DOCK8 deficiency. Last evaluated: 2019-06-04. Review status: criteria provided, single submitter. Criteria: Invitae Variant Classification Sherloc (09022015). Collection method: clinical testing. Allele origin: germline.
Comment: This variant is an in-frame deletion of the genomic region encompassing exons 2-46 of the DOCK8 gene. It preserves the integrity of the reading frame. This variant has been observed in an individual affected with DOCK8-related conditions (PMID:¬†26573532). Sub-genic deletions within exons 2-44 have been determined to be pathogenic (PMID:¬†25724123). Therefore, deletions that fully encompass that region are also expected to be pathogenic. For these reasons, this variant has been classified as Pathogenic.